The following is an entry in ClinVar:

Conditions:
Breast-ovarian cancer, familial, susceptibility to, 1 (BROVCA1). Also called: BRCA1 Hereditary Breast and Ovarian Cancer; OVARIAN CANCER, SUSCEPTIBILITY TO. Identifiers: Orphanet 145, MedGen C2676676, MONDO:0011450, OMIM 604370. Disease mechanism: loss of function.

Submission:

Brotman Baty Institute, University of Washington
No classification provided (evidence only). Condition: Breast-ovarian cancer, familial 1. Review status: no classification provided. Collection method: in vitro. Allele origin: not applicable. Functional consequence: functionally_normal.
ClinVar note: "not provided" was previously submitted as the classification for the variant. However, the classification appeared to be based only on an observation of functional data so it was converted to no classification on 2025-07-30.

NM_007294.4(BRCA1):c.5467+10C>A

Gene: BRCA1 (BRCA1 DNA repair associated; minus strand). Cytogenetic location: 17q21.31.
Variant type: single nucleotide variant.
Coding change: c.5467+10C>A on transcript NM_007294.4 (MANE Select); 10 bases into the intron after coding-DNA position 5467, C replaced by A.
Molecular consequence: intron variant.
Genome position (GRCh38, 1-based): chr17:43,047,633, G>T on the plus strand (C>A on the coding strand, the complement: BRCA1 is on the minus strand). VCF-style: chr17-43047633-G-T. GRCh37 (hg19) VCF-style: chr17-41199650-G-T.
Other names: c.2014+10C>A (NM_001408458.1, NM_001408461.1, NM_001408464.1 and 7 more transcripts); c.4576+10C>A (NM_001407967.1); c.5086+10C>A (NM_001407959.1); c.5200+10C>A (NM_001407931.1, NM_001407932.1, NM_001407928.1 and 4 more transcripts); c.5323+10C>A (NM_001407747.1, NM_001407745.1, NM_001407737.1 and 18 more transcripts); c.5083+10C>A (NM_001407962.1, NM_001407960.1); c.1654+10C>A (NM_001408512.1); c.1777+10C>A (NM_001408510.1); and 83 more.
Identifiers: ClinVar variation 868534 (VCV000868534.3), dbSNP rs2050973400, ClinGen allele CA916080759.